The following is an entry in ClinVar:

ClinVar aggregate classification (germline): Pathogenic (1 of 4 stars; one submission).

Conditions:
Aortic aneurysm, familial thoracic 7 (AAT7). Also called: AORTIC DISSECTION, FAMILIAL, WITH OR WITHOUT AORTIC ANEURYSM. Identifiers: MedGen C3151077, MONDO:0013418, OMIM 613780.

Submission:

Labcorp Genetics (formerly Invitae), Labcorp
Classification: Pathogenic for Aortic aneurysm, familial thoracic 7. Last evaluated: 2023-03-10. Review status: criteria provided, single submitter. Criteria: Invitae Variant Classification Sherloc (09022015). Collection method: clinical testing. Allele origin: germline.
Comment: This sequence change creates a premature translational stop signal (p.Pro1025Thrfs*9) in the MYLK gene. This variant occurs within the aortic-specific isoform of MYLK. Loss-of-function variants in the aortic-specific isoform of MYLK are known to be pathogenic for thoracic aortic dissections (PMID: 21055718). For these reasons, this variant has been classified as Pathogenic. This variant has not been reported in the literature in individuals affected with MYLK-related conditions. This variant is not present in population databases (gnomAD no frequency).

Literature cited by the submitters: PubMed 21055718.

NM_053025.4(MYLK):c.3072dup (p.Pro1025fs)

Gene: MYLK (myosin light chain kinase; minus strand). Cytogenetic location: 3q21.1.
Variant type: Duplication.
Coding change: c.3072dup on transcript NM_053025.4 (MANE Select); coding-DNA position 3072, one base duplicated (A; older notation c.3072dupA).
Protein change: p.Pro1025fs; shifts the reading frame from proline 1025.
Molecular consequence: frameshift variant.
Genome position (GRCh38, 1-based): chr3:123,700,396, T duplicated on the plus strand (A on the coding strand, the reverse complement: MYLK is on the minus strand); the first of 3 consecutive T bases (chr3:123,700,396-123,700,398); duplicating any one gives the same sequence. VCF-style (leftmost placement, unchanged base first): chr3-123700395-G-GT. GRCh37 (hg19) VCF-style: chr3-123419242-G-GT.
Other names: c.2544dup, p.Pro849fs (NM_001321309.2); c.2865dup, p.Pro956fs (NM_053026.4, NM_053028.4); c.3072dup, p.Pro1025fs (NM_053027.4); short protein forms P849fs, P1025fs, P956fs.
Identifiers: ClinVar variation 2844838 (VCV002844838.3), dbSNP rs2474173555, ClinGen allele CA2739279720.